The following is an entry in ClinVar:

NM_138711.6(PPARG):c.281A>G (p.Asn94Ser)

Gene: PPARG (peroxisome proliferator activated receptor gamma; plus strand). Cytogenetic location: 3p25.2.
Variant type: single nucleotide variant.
Coding change: c.281A>G on transcript NM_138711.6 (MANE Select); coding-DNA position 281, A replaced by G.
Protein change: p.Asn94Ser; replaces asparagine 94 with serine.
Molecular consequence: missense variant. On other transcripts: 5 prime UTR variant (1).
Genome position (GRCh38, 1-based): chr3:12,381,382, A>G. VCF-style: chr3-12381382-A-G. GRCh37 (hg19) VCF-style: chr3-12422881-A-G.
Other names: c.281A>G, p.Asn94Ser (NM_001330615.4, NM_001354666.3, NM_001354667.3 and 6 more transcripts); c.371A>G, p.Asn124Ser (NM_001354668.2, NM_001374265.1, NM_015869.5); c.-147A>G (NM_001354669.2); c.287A>G, p.Asn96Ser (NM_001354670.2, NM_001374266.1); short protein forms N96S, N124S, N94S.
Identifiers: ClinVar variation 4981600 (VCV004981600.1).

ClinVar aggregate classification (germline): Uncertain significance (1 of 4 stars; one submission).

Conditions:
PPARG-related disorder. Also called: PPARG-related condition; PPARG-related disorders.

Submission:

PreventionGenetics, part of Exact Sciences
Classification: Uncertain significance for PPARG-related condition. Last evaluated: 2024-10-31. Review status: criteria provided, single submitter. Criteria: ACMG Guidelines, 2015. Collection method: clinical testing. Allele origin: germline.
Comment: The PPARG c.371A>G variant is predicted to result in the amino acid substitution p.Asn124Ser. This variant was observed in a cohort study of individuals with hypertriglyceridemia and suggested to increase risk as part of a polygenic risk score (Table S2, Deshotels et al. 2022. PubMed ID: 36325899). This variant is reported in 0.00089% of alleles in individuals of European (non-Finnish) descent in gnomAD. At this time, the clinical significance of this variant is uncertain due to the absence of conclusive functional and genetic evidence.